The following is an entry in ClinVar:

NM_004006.3(DMD):c.374A>C (p.Lys125Thr)

Gene: DMD (dystrophin; minus strand). Cytogenetic location: Xp21.1.
Variant type: single nucleotide variant.
Coding change: c.374A>C on transcript NM_004006.3 (MANE Select); coding-DNA position 374, A replaced by C.
Protein change: p.Lys125Thr; replaces lysine 125 with threonine.
Molecular consequence: missense variant.
Genome position (GRCh38, 1-based): chrX:32,816,624, T>G on the plus strand (A>C on the coding strand, the complement: DMD is on the minus strand). VCF-style: chrX-32816624-T-G. GRCh37 (hg19) VCF-style: chrX-32834741-T-G.
Other names: c.350A>C, p.Lys117Thr (NM_000109.4); c.362A>C, p.Lys121Thr (NM_004009.3); c.5A>C, p.Lys2Thr (NM_004010.3); short protein forms K117T, K121T, K125T, K2T.
Identifiers: ClinVar variation 1513950 (VCV001513950.8), dbSNP rs777958392, ClinGen allele CA412674357.

ClinVar aggregate classification (germline): Uncertain significance (1 of 4 stars; one submission).

Conditions:
Duchenne muscular dystrophy (DMD). Also called: MUSCULAR DYSTROPHY, PSEUDOHYPERTROPHIC PROGRESSIVE, DUCHENNE TYPE; Duchenne Muscular Dystrophy (DMD). Identifiers: Orphanet 98896, MedGen C0013264, MONDO:0010679, OMIM 310200.

Submission:

Labcorp Genetics (formerly Invitae), Labcorp
Classification: Uncertain significance for Duchenne muscular dystrophy. Last evaluated: 2025-06-02. Review status: criteria provided, single submitter. Criteria: Invitae Variant Classification Sherloc (09022015). Collection method: clinical testing. Allele origin: germline.
Comment: This sequence change replaces lysine, which is basic and polar, with threonine, which is neutral and polar, at codon 125 of the DMD protein (p.Lys125Thr). This variant is not present in population databases (gnomAD no frequency). This variant has not been reported in the literature in individuals affected with DMD-related conditions. ClinVar contains an entry for this variant (Variation ID: 1513950). Invitae Evidence Modeling of protein sequence and biophysical properties (such as structural, functional, and spatial information, amino acid conservation, physicochemical variation, residue mobility, and thermodynamic stability) indicates that this missense variant is not expected to disrupt DMD protein function with a negative predictive value of 95%. In summary, the available evidence is currently insufficient to determine the role of this variant in disease. Therefore, it has been classified as a Variant of Uncertain Significance.